The following is an entry in ClinVar:

NM_001330691.3(CEP78):c.2056GAG[1] (p.Glu687del)

Gene: CEP78 (centrosomal protein 78; plus strand). Cytogenetic location: 9q21.2.
Variant type: Microsatellite.
Coding change: c.2056GAG[1] on transcript NM_001330691.3 (MANE Select); one copy of the 3-base unit GAG starting at c.2056; the reference has two copies in a row; one copy, 3 bases deleted.
Protein change: p.Glu687del; deletes glutamic acid 687.
Molecular consequence: inframe deletion.
Genome position (GRCh38, 1-based): chr9:78,266,655-78,266,657, GAG deleted; deleting any 3 consecutive bases within chr9:78,266,652-78,266,657 gives the same sequence; the position shown is the placement nearest the transcript's 3' end. VCF-style (leftmost placement, unchanged base first): chr9-78266651-AGAG-A. GRCh37 (hg19) VCF-style: chr9-80881567-AGAG-A.
Other names: c.2059GAG[1], p.Glu688del (NM_001098802.3, NM_001349839.2); c.2008GAG[1], p.Glu671del (NM_001330693.3, NM_001330694.2); c.2056GAG[1], p.Glu687del (NM_001349838.2); c.2011GAG[1], p.Glu672del (NM_001349840.2, NM_032171.3); short protein forms E687del, E671del, E672del, E688del.
Identifiers: ClinVar variation 1433751 (VCV001433751.6), dbSNP rs1827551493, ClinGen allele CA645557088.

ClinVar aggregate classification (germline): Uncertain significance (1 of 4 stars; one submission).

Submission:

Labcorp Genetics (formerly Invitae), Labcorp
Classification: Uncertain significance. Last evaluated: 2021-11-18. Review status: criteria provided, single submitter. Criteria: Invitae Variant Classification Sherloc (09022015). Collection method: clinical testing. Allele origin: germline.
Comment: Experimental studies and prediction algorithms are not available or were not evaluated, and the functional significance of this variant is currently unknown. This variant, c.2062_2064del, results in the deletion of 1 amino acid(s) of the CEP78 protein (p.Glu688del), but otherwise preserves the integrity of the reading frame. This variant is not present in population databases (gnomAD no frequency). This variant has not been reported in the literature in individuals affected with CEP78-related conditions. In summary, the available evidence is currently insufficient to determine the role of this variant in disease. Therefore, it has been classified as a Variant of Uncertain Significance.